The following is an entry in ClinVar:

NM_004820.5(CYP7B1):c.473T>A (p.Met158Lys)

Gene: CYP7B1 (cytochrome P450 family 7 subfamily B member 1; minus strand). Cytogenetic location: 8q12.3.
Variant type: single nucleotide variant.
Coding change: c.473T>A on transcript NM_004820.5 (MANE Select); coding-DNA position 473, T replaced by A.
Protein change: p.Met158Lys; replaces methionine 158 with lysine.
Molecular consequence: missense variant.
Genome position (GRCh38, 1-based): chr8:64,616,068, A>T on the plus strand (T>A on the coding strand, the complement: CYP7B1 is on the minus strand). VCF-style: chr8-64616068-A-T. GRCh37 (hg19) VCF-style: chr8-65528625-A-T.
Other names: c.473T>A, p.Met158Lys (NM_001324112.2); short protein forms M158K.
Identifiers: ClinVar variation 2130843 (VCV002130843.4), dbSNP rs768288882, ClinGen allele CA371335670.

ClinVar aggregate classification (germline): Uncertain significance (1 of 4 stars; one submission).

Conditions:
Spastic paraplegia. Identifiers: MedGen C0037772, HP:0001258.

Submission:

Labcorp Genetics (formerly Invitae), Labcorp
Classification: Uncertain significance for Spastic paraplegia. Last evaluated: 2022-05-03. Review status: criteria provided, single submitter. Criteria: Invitae Variant Classification Sherloc (09022015). Collection method: clinical testing. Allele origin: germline.
Comment: In summary, the available evidence is currently insufficient to determine the role of this variant in disease. Therefore, it has been classified as a Variant of Uncertain Significance. Algorithms developed to predict the effect of missense changes on protein structure and function are either unavailable or do not agree on the potential impact of this missense change (SIFT: "Deleterious"; PolyPhen-2: "Benign"; Align-GVGD: "Class C55"). This variant has not been reported in the literature in individuals affected with CYP7B1-related conditions. This variant is not present in population databases (gnomAD no frequency). This sequence change replaces methionine, which is neutral and non-polar, with lysine, which is basic and polar, at codon 158 of the CYP7B1 protein (p.Met158Lys).